The following is an entry in ClinVar:

NM_004655.4(AXIN2):c.182G>A (p.Gly61Glu)

Gene: AXIN2 (axin 2; minus strand). Cytogenetic location: 17q24.1.
Variant type: single nucleotide variant.
Coding change: c.182G>A on transcript NM_004655.4 (MANE Select); coding-DNA position 182, G replaced by A.
Protein change: p.Gly61Glu; replaces glycine 61 with glutamic acid.
Molecular consequence: missense variant.
Genome position (GRCh38, 1-based): chr17:65,558,439, C>T on the plus strand (G>A on the coding strand, the complement: AXIN2 is on the minus strand). VCF-style: chr17-65558439-C-T. GRCh37 (hg19) VCF-style: chr17-63554557-C-T.
Other names: c.182G>A, p.Gly61Glu (NM_001363813.1); short protein forms G61E.
Identifiers: ClinVar variation 837410 (VCV000837410.13), dbSNP rs1018815193, ClinGen allele CA400681946.

ClinVar aggregate classification (germline): Uncertain significance. Review status: criteria provided, multiple submitters, no conflicts (2 of 4 stars). 4 submissions from 4 submitters: Uncertain significance (4). Last evaluated 2025-12-14.

Conditions:
Oligodontia-cancer predisposition syndrome. Also called: TOOTH AGENESIS-COLORECTAL CANCER SYNDROME. Identifiers: Orphanet 300576, MedGen C1837750, MONDO:0012075, OMIM 608615. Disease mechanism: loss of function.
Colorectal cancer. Also called: Malignant Colorectal Neoplasm; Colorectal cancer, somatic. Identifiers: MedGen C0346629, MONDO:0005575, OMIM 114500.
Hereditary cancer-predisposing syndrome. Also called: Neoplastic Syndromes, Hereditary; Tumor predisposition; Hereditary neoplastic syndrome; Hereditary Cancer Syndrome. Identifiers: Orphanet 140162, MedGen C0027672, MeSH D009386, MONDO:0015356.

Allele frequency attached by ClinVar (database versions not stated): gnomAD exomes below 0.00001.
gnomAD v4.1: 2 of 1,599,834 alleles (0.00013%); highest among the groups gnomAD compares: Admixed American, 0.0034%; no homozygotes.

Submissions (4):

Labcorp Genetics (formerly Invitae), Labcorp
Classification: Uncertain significance for Oligodontia-cancer predisposition syndrome. Last evaluated: 2025-12-14. Review status: criteria provided, single submitter. Criteria: Invitae Variant Classification Sherloc (09022015). Collection method: clinical testing. Allele origin: germline.
Comment: This sequence change replaces glycine, which is neutral and non-polar, with glutamic acid, which is acidic and polar, at codon 61 of the AXIN2 protein (p.Gly61Glu). This variant is present in population databases (no rsID available, gnomAD 0.003%). This variant has not been reported in the literature in individuals affected with AXIN2-related conditions. ClinVar contains an entry for this variant (Variation ID: 837410). Invitae Evidence Modeling of protein sequence and biophysical properties (such as structural, functional, and spatial information, amino acid conservation, physicochemical variation, residue mobility, and thermodynamic stability) indicates that this missense variant is not expected to disrupt AXIN2 protein function with a negative predictive value of 80%. In summary, the available evidence is currently insufficient to determine the role of this variant in disease. Therefore, it has been classified as a Variant of Uncertain Significance.

Ambry Genetics
Classification: Uncertain significance for Hereditary cancer-predisposing syndrome. Last evaluated: 2024-08-09. Review status: criteria provided, single submitter. Criteria: Ambry Variant Classification Scheme 2023. Collection method: clinical testing. Allele origin: germline.
Comment: The p.G61E variant (also known as c.182G>A), located in coding exon 1 of the AXIN2 gene, results from a G to A substitution at nucleotide position 182. The glycine at codon 61 is replaced by glutamic acid, an amino acid with similar properties. This amino acid position is conserved. In addition, the in silico prediction for this alteration is inconclusive. Since supporting evidence is limited at this time, the clinical significance of this alteration remains unclear.

Baylor Genetics
Classification: Uncertain significance for Colorectal cancer. Last evaluated: 2024-02-20. Review status: criteria provided, single submitter. Criteria: ACMG Guidelines, 2015. Collection method: clinical testing. Allele origin: unknown.

GeneDx
Classification: Uncertain significance. Last evaluated: 2022-04-08. Review status: criteria provided, single submitter. Criteria: GeneDx Variant Classification Process June 2021. Collection method: clinical testing. Allele origin: germline. Affected: yes.
Comment: Not observed at significant frequency in large population cohorts (gnomAD); In silico analysis supports that this missense variant does not alter protein structure/function; Has not been previously published as pathogenic or benign to our knowledge